The following is an entry in ClinVar:

ClinVar aggregate classification (germline): Uncertain significance (1 of 4 stars; one submission).

Allele frequency attached by ClinVar (database versions not stated): gnomAD exomes below 0.00001 and 0.00001; gnomAD 0.00007 and 0.00008.
gnomAD v4.1: 13 of 1,613,984 alleles (0.00081%); highest among the groups gnomAD compares: Admixed American, 0.022%; no homozygotes.

Submission:

Labcorp Genetics (formerly Invitae), Labcorp
Classification: Uncertain significance. Last evaluated: 2021-06-11. Review status: criteria provided, single submitter. Criteria: Invitae Variant Classification Sherloc (09022015). Collection method: clinical testing. Allele origin: germline.
Comment: This sequence change replaces methionine with lysine at codon 714 of the MTTP protein (p.Met714Lys). The methionine residue is highly conserved and there is a moderate physicochemical difference between methionine and lysine. This variant is not present in population databases (ExAC no frequency). This variant has not been reported in the literature in individuals with MTTP-related conditions. Algorithms developed to predict the effect of missense changes on protein structure and function are either unavailable or do not agree on the potential impact of this missense change (SIFT: "Deleterious"; PolyPhen-2: "Probably Damaging"; Align-GVGD: "Class C0"). In summary, the available evidence is currently insufficient to determine the role of this variant in disease. Therefore, it has been classified as a Variant of Uncertain Significance.

NM_001386140.1(MTTP):c.2141T>A (p.Met714Lys)

Gene: MTTP (microsomal triglyceride transfer protein; plus strand). Cytogenetic location: 4q23.
Variant type: single nucleotide variant.
Coding change: c.2141T>A on transcript NM_001386140.1 (MANE Select); coding-DNA position 2141, T replaced by A.
Protein change: p.Met714Lys; replaces methionine 714 with lysine.
Molecular consequence: missense variant.
Genome position (GRCh38, 1-based): chr4:99,613,064, T>A. VCF-style: chr4-99613064-T-A. GRCh37 (hg19) VCF-style: chr4-100534221-T-A.
Other names: c.2141T>A, p.Met714Lys (NM_000253.4); c.1892T>A, p.Met631Lys (NM_001300785.2); short protein forms M631K, M714K.
Identifiers: ClinVar variation 1360319 (VCV001360319.8), dbSNP rs906693684, ClinGen allele CA357517211.